The following is an entry in ClinVar:

NM_005120.3(MED12):c.5962A>G (p.Thr1988Ala)

Gene: MED12 (mediator complex subunit 12; plus strand). Cytogenetic location: Xq13.1.
Variant type: single nucleotide variant.
Coding change: c.5962A>G on transcript NM_005120.3 (MANE Select); coding-DNA position 5962, A replaced by G.
Protein change: p.Thr1988Ala; replaces threonine 1988 with alanine.
Molecular consequence: missense variant.
Genome position (GRCh38, 1-based): chrX:71,137,861, A>G. VCF-style: chrX-71137861-A-G. GRCh37 (hg19) VCF-style: chrX-70357711-A-G.
Other names: short protein forms T1988A.
Identifiers: ClinVar variation 1714352 (VCV001714352.6), dbSNP rs2519715736, ClinGen allele CA413539445.

ClinVar aggregate classification (germline): Uncertain significance (1 of 4 stars; one submission).

Conditions:
FG syndrome (FGS). Identifiers: MedGen C0220769, MONDO:0002010.

Submission:

Labcorp Genetics (formerly Invitae), Labcorp
Classification: Uncertain significance for FG syndrome. Last evaluated: 2022-07-30. Review status: criteria provided, single submitter. Criteria: Invitae Variant Classification Sherloc (09022015). Collection method: clinical testing. Allele origin: germline.
Comment: This sequence change replaces threonine, which is neutral and polar, with alanine, which is neutral and non-polar, at codon 1988 of the MED12 protein (p.Thr1988Ala). This variant is not present in population databases (gnomAD no frequency). This variant has not been reported in the literature in individuals affected with MED12-related conditions. Advanced modeling of protein sequence and biophysical properties (such as structural, functional, and spatial information, amino acid conservation, physicochemical variation, residue mobility, and thermodynamic stability) performed at Invitae indicates that this missense variant is not expected to disrupt MED12 protein function. In summary, the available evidence is currently insufficient to determine the role of this variant in disease. Therefore, it has been classified as a Variant of Uncertain Significance.